The following is an entry in ClinVar:

ClinVar aggregate classification (germline): Likely benign (1 of 4 stars; one submission).

Allele frequency attached by ClinVar (database versions not stated): 1000 Genomes Project 0.00020; 1000 Genomes Project 30x 0.00031; TOPMed 0.00359; gnomAD exomes 0.00448; gnomAD 0.00471; ESP Exome Variant Server 0.00501; ExAC 0.00641.
gnomAD v4.1: 6,972 of 1,558,350 alleles (0.45%); highest among the groups gnomAD compares: Non-Finnish European, 0.5%; 70 homozygotes.

Submission:

CeGaT Center for Human Genetics Tuebingen
Classification: Likely benign. Last evaluated: 2023-05-01. Review status: criteria provided, single submitter. Criteria: CeGaT Center For Human Genetics Tuebingen Variant Classification Criteria Version 2. Collection method: clinical testing. Allele origin: germline. Affected: yes. Observed: 2 variant alleles.
Comment: ABCA6: BP4, BS2

NM_080284.3(ABCA6):c.792-8T>C

Gene: ABCA6 (ATP binding cassette subfamily A member 6; minus strand). Cytogenetic location: 17q24.3.
Variant type: single nucleotide variant.
Coding change: c.792-8T>C on transcript NM_080284.3 (MANE Select); 8 bases into the intron before coding-DNA position 792, T replaced by C.
Molecular consequence: intron variant.
Genome position (GRCh38, 1-based): chr17:69,129,759, A>G on the plus strand (T>C on the coding strand, the complement: ABCA6 is on the minus strand). VCF-style: chr17-69129759-A-G. GRCh37 (hg19) VCF-style: chr17-67125900-A-G.
Identifiers: ClinVar variation 2648166 (VCV002648166.24), dbSNP rs199530932, ClinGen allele CA8734679.